The following is an entry in ClinVar:

NM_000093.5(COL5A1):c.5370+13C>T

Genes: COL5A1 (collagen type V alpha 1 chain; plus strand), LOC101448202 (uncharacterized LOC101448202; minus strand). Cytogenetic location: 9q34.3.
Variant type: single nucleotide variant.
Coding change: c.5370+13C>T on transcript NM_000093.5 (MANE Select); 13 bases into the intron after coding-DNA position 5370, C replaced by T.
Molecular consequence: intron variant.
Genome position (GRCh38, 1-based): chr9:134,835,217, C>T. VCF-style: chr9-134835217-C-T. GRCh37 (hg19) VCF-style: chr9-137727063-C-T.
Other names: c.5370+13C>T (NM_001278074.1).
Identifiers: ClinVar variation 507957 (VCV000507957.11), dbSNP rs368524277, ClinGen allele CA5320704.

ClinVar aggregate classification (germline): Benign/Likely benign. Review status: criteria provided, multiple submitters, no conflicts (2 of 4 stars). 4 submissions from 4 submitters: Benign (1); Likely benign (3). Last evaluated 2026-03-27.

Conditions:
Ehlers-Danlos syndrome, classic type, 1 (EDSCL1). Also called: EHLERS-DANLOS SYNDROME, GRAVIS TYPE; EHLERS-DANLOS SYNDROME, SEVERE CLASSIC TYPE; Ehlers-Danlos syndrome, type 1; Ehlers-Danlos Syndrome, Classic Type, COL5A1-Related; EDS I. Identifiers: MedGen C0268335, MONDO:0019567, OMIM 130000.

Allele frequency attached by ClinVar (database versions not stated): ExAC 0.00005; gnomAD 0.00007 and 0.00009; gnomAD exomes 0.00007 and 0.00015; ESP Exome Variant Server 0.00008; TOPMed 0.00008.
gnomAD v4.1: 232 of 1,608,774 alleles (0.014%); highest among the groups gnomAD compares: Non-Finnish European, 0.018%; no homozygotes.

Submissions (4):

Women's Health and Genetics/Laboratory Corporation of America, LabCorp
Classification: Benign. Last evaluated: 2026-03-27. Review status: criteria provided, single submitter. Criteria: LabCorp Variant Classification Summary - May 2015. Collection method: clinical testing. Allele origin: germline.

Labcorp Genetics (formerly Invitae), Labcorp
Classification: Likely benign for Ehlers-Danlos syndrome, classic type, 1. Last evaluated: 2026-01-12. Review status: criteria provided, single submitter. Criteria: Invitae Variant Classification Sherloc (09022015). Collection method: clinical testing. Allele origin: germline.

Blueprint Genetics
Classification: Likely benign. Last evaluated: 2024-03-08. Review status: criteria provided, single submitter. Criteria: ACMG Guidelines, 2015. Collection method: clinical testing. Allele origin: germline.

GeneDx
Classification: Likely benign. Last evaluated: 2017-07-18. Review status: criteria provided, single submitter. Criteria: GeneDx Variant Classification (06012015). Collection method: clinical testing. Allele origin: germline. Affected: yes.
Comment: This variant is considered likely benign or benign based on one or more of the following criteria: it is a conservative change, it occurs at a poorly conserved position in the protein, it is predicted to be benign by multiple in silico algorithms, and/or has population frequency not consistent with disease.